The following is an entry in ClinVar:

NM_022132.5(MCCC2):c.517dup (p.Ser173fs)

Gene: MCCC2 (methylcrotonyl-CoA carboxylase subunit 2; plus strand). Cytogenetic location: 5q13.2.
Variant type: Duplication.
Coding change: c.517dup on transcript NM_022132.5 (MANE Select); coding-DNA position 517, one base duplicated (T; older notation c.517dupT).
Protein change: p.Ser173fs; shifts the reading frame from serine 173.
Molecular consequence: frameshift variant.
Genome position (GRCh38, 1-based): chr5:71,604,361, T duplicated; the last of 2 consecutive T bases (chr5:71,604,360-71,604,361); duplicating either gives the same sequence. VCF-style (leftmost placement, unchanged base first): chr5-71604359-A-AT. GRCh37 (hg19) VCF-style: chr5-70900186-A-AT.
Other names: c.517dup, p.Ser173fs (NM_001363147.1); short protein forms S173fs.
Identifiers: ClinVar variation 1919 (VCV000001919.18), dbSNP rs587776533, ClinGen allele CA251966.

ClinVar aggregate classification (germline): Pathogenic. Review status: criteria provided, multiple submitters, no conflicts (2 of 4 stars). 6 submissions from 6 submitters: Pathogenic (5). 1 of the submissions does not count toward it. Last evaluated 2026-04-08.

Conditions:
MCCC2-related disorder. Also called: MCCC2-related condition.
3-methylcrotonyl-CoA carboxylase 2 deficiency. Also called: 3 alpha methylcrotonyl-CoA carboxylase 2 deficiency; 3 alpha methylcrotonylglycinuria 2; MCC 2 deficiency; Methylcrotonylglycinuria type 2; METHYLCROTONYLGLYCINURIA, TYPE II. Identifiers: Orphanet 6, MedGen C1859499, MONDO:0008862, OMIM 210210.

Submissions (6):

PreventionGenetics, part of Exact Sciences
Classification: Pathogenic for MCCC2-related condition. Last evaluated: 2026-04-08. Review status: criteria provided, single submitter. Criteria: ACMG Guidelines, 2015. Collection method: clinical testing. Allele origin: germline.
Comment: The MCCC2 c.517dupT variant is predicted to result in a frameshift and premature protein termination (p.Ser173Phefs*25). This variant has been reported in the homozygous or compound heterozygous state in asymptomatic or mildly affected individuals with 3-methylcrotonyl-CoA carboxylase (MCC) deficiency (Baumgartner et al. 2001. PubMed ID: 11181649, No. 3 in Table 2; Gallardo et al. 2001. PubMed ID: 11170888; Dantas et al. 2005. PubMed ID: 16010683; Grünert et al. 2012. PubMed ID: 22642865). This variant is reported in 0.0062% of alleles in individuals of African descent in gnomAD. Frameshift variants in MCCC2 are expected to be pathogenic. This variant is interpreted as pathogenic.

Labcorp Genetics (formerly Invitae), Labcorp
Classification: Pathogenic for 3-methylcrotonyl-CoA carboxylase 2 deficiency. Last evaluated: 2025-10-16. Review status: criteria provided, single submitter. Criteria: Invitae Variant Classification Sherloc (09022015). Collection method: clinical testing. Allele origin: germline.
Comment: This sequence change creates a premature translational stop signal (p.Ser173Phefs*25) in the MCCC2 gene. It is expected to result in an absent or disrupted protein product. Loss-of-function variants in MCCC2 are known to be pathogenic (PMID: 11181649, 22642865). This variant is present in population databases (no rsID available, gnomAD 0.007%). This premature translational stop signal has been observed in individual(s) with a positive newborn screening result for MCCC2-related disease (PMID: 11170888, 16010683, 22642865). This variant is also known as D172fs. ClinVar contains an entry for this variant (Variation ID: 1919). For these reasons, this variant has been classified as Pathogenic.

Natera, Inc.
Classification: Pathogenic for 3-methylcrotonyl-CoA carboxylase 2 deficiency. Last evaluated: 2024-12-13. Review status: criteria provided, single submitter. Criteria: Natera Variant Classification Schema (03/2026). Collection method: clinical testing. Allele origin: germline.
Comment: The c.517dupT variant in MCCC2 is a frameshift variant predicted to shift the reading frame beginning at codon 173 and leads to a stop codon 25 codons downstream. This variant is expected to result in nonsense mediated decay, truncation, or a dysfunctional protein product. This variant is rare in the general population with a frequency below the threshold expected for the associated phenotype(s). This variant has been observed in one or more individuals affected with the associated recessive disease, as either homozygous or compound heterozygous with a second variant (PMID: 25356967). Given the available evidence, this variant is classified as Pathogenic.

Fulgent Genetics
Classification: Pathogenic for 3-methylcrotonyl-CoA carboxylase 2 deficiency. Last evaluated: 2024-01-04. Review status: criteria provided, single submitter. Criteria: ACMG Guidelines, 2015. Collection method: clinical testing. Allele origin: germline.

GeneDx
Classification: Pathogenic. Last evaluated: 2018-01-23. Review status: criteria provided, single submitter. Criteria: GeneDx Variant Classification (06012015). Collection method: clinical testing. Allele origin: germline. Affected: yes.
Comment: The c.517dupT variant in the MCCC2 gene has been reported previously in association with 3-methylcrotonyl-CoA carboxylase (3-MCC) deficiency (Gallardo et al., 2001; Grunert et al., 2012). The c.517dupT variant is not observed in large population cohorts (Lek et al., 2016). The duplication causes a frameshift starting with codon serine 173, changes this amino acid to a Phenylalanine residue and creates a premature Stop codon at position 25 of the new reading frame, denoted p.Ser173PhefsX25. This pathogenic variant is predicted to cause loss of normal protein function either through protein truncation or nonsense-mediated mRNA decay.

OMIM
Classification: Pathogenic for 3-METHYLCROTONYL-CoA CARBOXYLASE 2 DEFICIENCY. Last evaluated: 2001-02-01. Review status: no assertion criteria provided. Collection method: literature only. Allele origin: germline. Not counted in ClinVar's aggregate classification.

Literature cited by the submitters: PubMed 11181649 (cited by Labcorp Genetics (formerly Invitae), Labcorp and OMIM); PubMed 22642865 (cited by Labcorp Genetics (formerly Invitae), Labcorp); PubMed 11170888 (cited by Labcorp Genetics (formerly Invitae), Labcorp and OMIM); PubMed 16010683 (cited by Labcorp Genetics (formerly Invitae), Labcorp); PubMed 25356967 (cited by Natera, Inc.); PubMed 9544913 (cited by OMIM); Gitzelmann, R., Steinmann, B., Niederwieser, A., Fanconi, S., Suormala, T., Baumgartner, R. Isolated (biotin-resistant) 3-methylcrotonyl-CoA carboxylase deficiency presenting at age 20 months with sopor, hypoglycaemia, and ketoacidosis. J. Inherit. Metab. Dis. 10: 290-292, 1987. (cited by OMIM).